The following is an entry in ClinVar:

ClinVar aggregate classification (germline): Uncertain significance (1 of 4 stars; one submission).

Allele frequency attached by ClinVar (database versions not stated): TOPMed below 0.00001.
gnomAD v4.1: 1 of 1,614,154 alleles (0.000062%); highest among the groups gnomAD compares: Non-Finnish European, 0.000085%; no homozygotes.

Submission:

CeGaT Center for Human Genetics Tuebingen
Classification: Uncertain significance. Last evaluated: 2023-01-01. Review status: criteria provided, single submitter. Criteria: CeGaT Center For Human Genetics Tuebingen Variant Classification Criteria Version 2. Collection method: clinical testing. Allele origin: germline. Affected: yes. Observed: 1 variant allele.
Comment: SIN3A: PM2, PP2

NM_001145358.2(SIN3A):c.2933A>T (p.Gln978Leu)

Gene: SIN3A (SIN3 transcription regulator family member A; minus strand). Cytogenetic location: 15q24.2.
Variant type: single nucleotide variant.
Coding change: c.2933A>T on transcript NM_001145358.2 (MANE Select); coding-DNA position 2933, A replaced by T.
Protein change: p.Gln978Leu; replaces glutamine 978 with leucine.
Molecular consequence: missense variant.
Genome position (GRCh38, 1-based): chr15:75,389,740, T>A on the plus strand (A>T on the coding strand, the complement: SIN3A is on the minus strand). VCF-style: chr15-75389740-T-A. GRCh37 (hg19) VCF-style: chr15-75682081-T-A.
Other names: c.2933A>T, p.Gln978Leu (NM_001145357.2, NM_015477.3); short protein forms Q978L.
Identifiers: ClinVar variation 2645558 (VCV002645558.24), dbSNP rs896907922, ClinGen allele CA272905616.